The following is an entry in ClinVar:

NM_006767.4(LZTR1):c.2378T>A (p.Leu793Gln)

Gene: LZTR1 (leucine zipper like transcription regulator 1; plus strand). Cytogenetic location: 22q11.21.
Variant type: single nucleotide variant.
Coding change: c.2378T>A on transcript NM_006767.4 (MANE Select); coding-DNA position 2378, T replaced by A.
Protein change: p.Leu793Gln; replaces leucine 793 with glutamine.
Molecular consequence: missense variant.
Genome position (GRCh38, 1-based): chr22:20,996,938, T>A. VCF-style: chr22-20996938-T-A. GRCh37 (hg19) VCF-style: chr22-21351227-T-A.
Other names: short protein forms L793Q.
Identifiers: ClinVar variation 373000 (VCV000373000.1), dbSNP rs1057518130, ClinGen allele CA16043247.

ClinVar aggregate classification (germline): Uncertain significance (1 of 4 stars; one submission).

Allele frequency attached by ClinVar (database versions not stated): TOPMed 0.00001.

Submission:

GeneDx
Classification: Uncertain significance. Last evaluated: 2016-08-01. Review status: criteria provided, single submitter. Criteria: GeneDx Variant Classification (06012015). Collection method: clinical testing. Allele origin: germline. Affected: yes.
Comment: The L793Q variant in the LZTR1 gene has not been reported previously as a pathogenic variant, nor as a benign variant, to our knowledge. The L793Q variant was not observed in approximately 6,500 individuals of European and African American ancestry in the NHLBI Exome Sequencing Project, indicating it is not a common benign variant in these populations. The L793Q variant is a non-conservative amino acid substitution, which is likely to impact secondary protein structure as these residues differ in polarity, charge, size and/or other properties. Although this substitution occurs at a position that is highly conserved across species, it is not located within any known functional domain; to date all LZTR1 gene variants associated with a Noonan syndrome phenotype are located within a Kelch domain of the protein (Yamamoto et al., 2015). In silico analysis predicts this variant is probably damaging to the protein structure/function. Therefore, we interpret L793Q as a variant of uncertain significance